The following is an entry in ClinVar:

NM_007118.4(TRIO):c.4218+1G>A

Gene: TRIO (trio Rho guanine nucleotide exchange factor; plus strand). Cytogenetic location: 5p15.2.
Variant type: single nucleotide variant.
Coding change: c.4218+1G>A on transcript NM_007118.4 (MANE Select); the canonical splice donor site of the intron after coding-DNA position 4218, G replaced by A.
Molecular consequence: splice donor variant.
Genome position (GRCh38, 1-based): chr5:14,390,991, G>A. VCF-style: chr5-14390991-G-A. GRCh37 (hg19) VCF-style: chr5-14391100-G-A.
Other names: NC_000005.9:g.14391100G>A.
Identifiers: ClinVar variation 4312121 (VCV004312121.2).
Genomic context (GRCh38, chr5:14,390,991, plus strand): 5'-TGCAAAAATAAGCCTGATTCTACTCAGCTGATATTGGAACATGCAGGGTCCTATTTTGAC[G>A]TAAGTAATAGATTCCTAAAGAGACCATAATTTTCCAAGTTGTGTACATAAAATGCGGCAT-3'

ClinVar aggregate classification (germline): Pathogenic (1 of 4 stars; one submission).

Submissions (2):

GeneDx
Classification: Pathogenic. Last evaluated: 2026-02-23. Review status: criteria provided, single submitter. Criteria: GeneDx Variant Classification Process June 2021. Collection method: clinical testing. Allele origin: germline.
Comment: Canonical splice site variant predicted to result in an in-frame loss of the adjacent exon in a gene for which loss of function is a known mechanism of disease; Not observed at significant frequency in large population cohorts (gnomAD); Has not been previously published as pathogenic or benign to our knowledge

Dr. Peter K. Rogan Lab, Western University
No classification provided (evidence only). Condition: Thyroid cancer, nonmedullary, 1. Review status: no classification provided. Collection method: in vitro. Allele origin: not applicable. Functional consequence: retained intron. Not counted in ClinVar's aggregate classification.